The following is an entry in ClinVar:

ClinVar aggregate classification (germline): Likely pathogenic (1 of 4 stars; one submission).

Conditions:
Neu-Laxova syndrome 2. Identifiers: Orphanet 2671, Orphanet 583602, MedGen C4015019, MONDO:0014466, OMIM 616038.

Submission:

Labcorp Genetics (formerly Invitae), Labcorp
Classification: Likely pathogenic for Neu-Laxova syndrome 2. Last evaluated: 2025-02-09. Review status: criteria provided, single submitter. Criteria: Invitae Variant Classification Sherloc (09022015). Collection method: clinical testing. Allele origin: germline.
Comment: This variant results in the deletion of part of exon 1 (c.43_60+9del) of the PSAT1 gene. It is expected to disrupt RNA splicing. Variants that disrupt the donor or acceptor splice site typically lead to a loss of protein function (PMID: 16199547), and loss-of-function variants in PSAT1 are known to be pathogenic (PMID: 17436247, 25152457). This variant is present in population databases (no rsID available, gnomAD 0.007%). This variant has not been reported in the literature in individuals affected with PSAT1-related conditions. ClinVar contains an entry for this variant (Variation ID: 2140707). In summary, the currently available evidence indicates that the variant is pathogenic, but additional data are needed to prove that conclusively. Therefore, this variant has been classified as Likely Pathogenic.

Literature cited by the submitters: PubMed 16199547; PubMed 17436247; PubMed 25152457.

NM_058179.4(PSAT1):c.43_60+9del

Gene: PSAT1 (phosphoserine aminotransferase 1; plus strand). Cytogenetic location: 9q21.2.
Variant type: Deletion.
Coding change: c.43_60+9del on transcript NM_058179.4 (MANE Select); coding-DNA position 43 through 9 bases into the intron after coding-DNA position 60, 27 bases deleted (GCCAAGCTGCCGCACTCAGTAAGTCCC).
Molecular consequence: splice donor variant.
Genome position (GRCh38, 1-based): chr9:78,297,253-78,297,279, GCCAAGCTGCCGCACTCAGTAAGTCCC deleted; deleting any 27 consecutive bases within chr9:78,297,248-78,297,279 gives the same sequence; the c. name uses the placement nearest the transcript's 3' end. VCF-style (leftmost placement, unchanged base first): chr9-78297247-GGTCCCGCCAAGCTGCCGCACTCAGTAA-G. GRCh37 (hg19) VCF-style: chr9-80912163-GGTCCCGCCAAGCTGCCGCACTCAGTAA-G.
Other names: c.43_60+9del (NM_021154.5).
Identifiers: ClinVar variation 2140707 (VCV002140707.4), dbSNP rs919827103, ClinGen allele CA194434757.